The following is an entry in ClinVar:

NM_001943.5(DSG2):c.2349C>A (p.Tyr783Ter)

Genes: DSG2 (desmoglein 2; plus strand), DSG2-AS1 (DSG2 antisense RNA 1; minus strand). Cytogenetic location: 18q12.1.
Variant type: single nucleotide variant.
Coding change: c.2349C>A on transcript NM_001943.5 (MANE Select); coding-DNA position 2349, C replaced by A.
Protein change: p.Tyr783Ter; replaces tyrosine 783 with a stop codon.
Molecular consequence: nonsense.
Genome position (GRCh38, 1-based): chr18:31,545,735, C>A. VCF-style: chr18-31545735-C-A. GRCh37 (hg19) VCF-style: chr18-29125698-C-A.
Other names: c.2349C>A (LRG_397t1); short protein forms Y783*.
Identifiers: ClinVar variation 419603 (VCV000419603.8), dbSNP rs1064793983, ClinGen allele CA16620680.

ClinVar aggregate classification (germline): Pathogenic/Likely pathogenic. Review status: criteria provided, multiple submitters, no conflicts (2 of 4 stars). 5 submissions from 5 submitters: Pathogenic (1); Likely pathogenic (4). Last evaluated 2025-12-23.

Conditions:
Arrhythmogenic right ventricular cardiomyopathy (ARVD). Also called: Cardiomyopathy, ARVC; Arrhythmogenic right ventricular dysplasia; Arrhythmogenic cardiomyopathy; Arrhythmogenic Right Ventricular Cardiomyopathy (ARVC). Identifiers: Orphanet 247, MedGen C0349788, MeSH D019571, MONDO:0016587. Disease mechanism: loss of function. Inheritance: Various modes of inheritance.
Cardiomyopathy (CMYO). Also called: Cardiomyopathies. Identifiers: Orphanet 167848, MedGen C0878544, MONDO:0004994, HP:0001638. Inheritance: Various modes of inheritance.
Arrhythmogenic right ventricular dysplasia 10. Also called: Arrhythmogenic right ventricular dysplasia/cardiomyopathy, type 10; Arrhythmogenic Right Ventricular Dysplasia/Cardiomyopathy10; ARRHYTHMOGENIC RIGHT VENTRICULAR DYSPLASIA, FAMILIAL, 10. Identifiers: MedGen C1857777, MONDO:0012434, OMIM 610193.

Allele frequency attached by ClinVar (database versions not stated): gnomAD exomes below 0.00001.
gnomAD v4.1: 2 of 1,613,872 alleles (0.00012%); highest among the groups gnomAD compares: Non-Finnish European, 0.00017%; no homozygotes.

Submissions (5):

Institute of Human Genetics, University of Leipzig Medical Center
Classification: Likely pathogenic for Arrhythmogenic right ventricular dysplasia 10. Last evaluated: 2025-12-23. Review status: criteria provided, single submitter. Criteria: ACMG Guidelines, 2015. Collection method: clinical testing. Allele origin: unknown. Inheritance: Autosomal dominant inheritance. Affected: yes.
Comment: Criteria applied: PVS1_STR,PS4_MOD,PM2_SUP

Department of Pathology and Laboratory Medicine, Sinai Health System
Classification: Likely pathogenic for arrhythmogenic right ventricular cardiomyopathy. Last evaluated: 2022-02-24. Review status: criteria provided, single submitter. Criteria: ACMG Guidelines, 2015. Collection method: research. Allele origin: germline.

Institute of Medical Genetics and Applied Genomics, University Hospital Tübingen
Classification: Likely pathogenic. Last evaluated: 2020-10-23. Review status: criteria provided, single submitter. Criteria: ACMG Guidelines, 2015. Collection method: clinical testing. Allele origin: germline. Inheritance: Autosomal unknown. Affected: yes.

CHEO Genetics Diagnostic Laboratory, Children's Hospital of Eastern Ontario
Classification: Likely pathogenic for Cardiomyopathy. Last evaluated: 2018-05-11. Review status: criteria provided, single submitter. Criteria: ACMG Guidelines, 2015. Collection method: clinical testing. Allele origin: germline.

GeneDx
Classification: Pathogenic. Last evaluated: 2015-08-05. Review status: criteria provided, single submitter. Criteria: GeneDx Variant Classification (06012015). Collection method: clinical testing. Allele origin: germline. Affected: yes.
Comment: The Y783X variant in the DSG2 gene has not been published as a pathogenic variant or as a benign variant toour knowledge. However, this variant has previously been identified in the homozygous state in one individualout of a cohort of 400 patients (van der Zwaag et al., 2009); clinical information was not provided. Thispathogenic variant is predicted to result in the loss of 336 amino acids from the C-terminus and to cause lossof normal protein function by protein truncation. Other downstream nonsense variants in the DSG2 gene havebeen reported in HGMD in association with ARVC (Stenson et al., 2014). Furthermore, the Y783X variantwas not observed in approximately 5,900 individuals of European and African American ancestry in theNHLBI Exome Sequencing Project, indicating it is not a common benign variant in these populations.In summary, Y783X in the DSG2 gene is interpreted as a pathogenic variant.